The following is an entry in ClinVar:

ClinVar aggregate classification (germline): Uncertain significance (1 of 4 stars; one submission).

Conditions:
Walker-Warburg congenital muscular dystrophy. Also called: Muscular dystrophy-dystroglycanopathy, type A; Walker-Warburg syndrome. Identifiers: Orphanet 899, MedGen C0265221, MONDO:0000171.

Submission:

Labcorp Genetics (formerly Invitae), Labcorp
Classification: Uncertain significance for Walker-Warburg congenital muscular dystrophy. Last evaluated: 2022-08-17. Review status: criteria provided, single submitter. Criteria: Invitae Variant Classification Sherloc (09022015). Collection method: clinical testing. Allele origin: germline.
Comment: This sequence change replaces serine, which is neutral and polar, with glycine, which is neutral and non-polar, at codon 278 of the FKRP protein (p.Ser278Gly). This variant is not present in population databases (gnomAD no frequency). This variant has not been reported in the literature in individuals affected with FKRP-related conditions. Algorithms developed to predict the effect of missense changes on protein structure and function (SIFT, PolyPhen-2, Align-GVGD) all suggest that this variant is likely to be tolerated. In summary, the available evidence is currently insufficient to determine the role of this variant in disease. Therefore, it has been classified as a Variant of Uncertain Significance.

NM_024301.5(FKRP):c.832A>G (p.Ser278Gly)

Gene: FKRP (fukutin related protein; plus strand). Cytogenetic location: 19q13.32.
Variant type: single nucleotide variant.
Coding change: c.832A>G on transcript NM_024301.5 (MANE Select); coding-DNA position 832, A replaced by G.
Protein change: p.Ser278Gly; replaces serine 278 with glycine.
Molecular consequence: missense variant.
Genome position (GRCh38, 1-based): chr19:46,756,282, A>G. VCF-style: chr19-46756282-A-G. GRCh37 (hg19) VCF-style: chr19-47259539-A-G.
Other names: c.832A>G, p.Ser278Gly (NM_001039885.3); short protein forms S278G.
Identifiers: ClinVar variation 2420662 (VCV002420662.2), dbSNP rs2513992912, ClinGen allele CA406496096.